The following is an entry in ClinVar:

NM_000142.5(FGFR3):c.1031C>T (p.Ser344Phe)

Gene: FGFR3 (fibroblast growth factor receptor 3; plus strand). Cytogenetic location: 4p16.3.
Variant type: single nucleotide variant.
Coding change: c.1031C>T on transcript NM_000142.5 (MANE Select); coding-DNA position 1031, C replaced by T.
Protein change: p.Ser344Phe; replaces serine 344 with phenylalanine.
Molecular consequence: missense variant. On other transcripts: non-coding transcript variant (1), intron variant (2).
Genome position (GRCh38, 1-based): chr4:1,803,792, C>T. VCF-style: chr4-1803792-C-T. GRCh37 (hg19) VCF-style: chr4-1805519-C-T.
Other names: c.1031C>T, p.Ser344Phe (NM_001354809.2, NM_001354810.2); c.1082-538C>T (NM_001163213.2); c.931-1032C>T (NM_022965.4); short protein forms S344F.
Identifiers: ClinVar variation 134402 (VCV000134402.6), dbSNP rs199702395, ClinGen allele CA159705.

ClinVar aggregate classification (germline): Uncertain significance. Review status: criteria provided, single submitter (1 of 4 stars). 2 submissions from 2 submitters: Uncertain significance (1). 1 of the submissions does not count toward it. Last evaluated 2024-10-16.

Allele frequency attached by ClinVar (database versions not stated): gnomAD 0.00001; gnomAD exomes 0.00001; TOPMed 0.00003; 1000 Genomes Project 30x 0.00016; 1000 Genomes Project 0.00020.
gnomAD v4.1: 18 of 1,614,084 alleles (0.0011%); highest among the groups gnomAD compares: East Asian, 0.0022%; no homozygotes.

Submissions (2):

Labcorp Genetics (formerly Invitae), Labcorp
Classification: Uncertain significance. Last evaluated: 2024-10-16. Review status: criteria provided, single submitter. Criteria: Invitae Variant Classification Sherloc (09022015). Collection method: clinical testing. Allele origin: germline.
Comment: This sequence change replaces serine, which is neutral and polar, with phenylalanine, which is neutral and non-polar, at codon 344 of the FGFR3 protein (p.Ser344Phe). This variant is present in population databases (rs199702395, gnomAD 0.002%). This variant has not been reported in the literature in individuals affected with FGFR3-related conditions. ClinVar contains an entry for this variant (Variation ID: 134402). Invitae Evidence Modeling of protein sequence and biophysical properties (such as structural, functional, and spatial information, amino acid conservation, physicochemical variation, residue mobility, and thermodynamic stability) has been performed for this missense variant. However, the output from this modeling did not meet the statistical confidence thresholds required to predict the impact of this variant on FGFR3 protein function. This variant disrupts the p.Ser344 amino acid residue in FGFR3. Other variant(s) that disrupt this residue have been determined to be pathogenic (PMID: 26126848, 30160829, 37128991). This suggests that this residue is clinically significant, and that variants that disrupt this residue are likely to be disease-causing. In summary, the available evidence is currently insufficient to determine the role of this variant in disease. Therefore, it has been classified as a Variant of Uncertain Significance.

ITMI
No classification provided. Condition: AllHighlyPenetrant. Last evaluated: 2013-09-19. Review status: no classification provided. Collection method: reference population. Allele origin: germline. Not counted in ClinVar's aggregate classification.
Comment: Please see associated publication for description of ethnicities

Literature cited by the submitters: PubMed 26126848 (cited by Labcorp Genetics (formerly Invitae), Labcorp); PubMed 30160829 (cited by Labcorp Genetics (formerly Invitae), Labcorp); PubMed 37128991 (cited by Labcorp Genetics (formerly Invitae), Labcorp); PubMed 24728327 (cited by ITMI).